The following is an entry in ClinVar:

ClinVar aggregate classification (germline): Conflicting classifications of pathogenicity. Review status: criteria provided, conflicting classifications (1 of 4 stars). 13 submissions from 13 submitters: Uncertain significance (11); Likely benign (2). Last evaluated 2026-09-01.

Conditions:
Hereditary cancer. Identifiers: MedGen C1333600.
Hereditary cancer-predisposing syndrome. Also called: Neoplastic Syndromes, Hereditary; Tumor predisposition; Hereditary neoplastic syndrome; Hereditary Cancer Syndrome. Identifiers: Orphanet 140162, MedGen C0027672, MeSH D009386, MONDO:0015356.
Breast-ovarian cancer, familial, susceptibility to, 4. Identifiers: Orphanet 145, MedGen C3280345, MONDO:0013669, OMIM 614291.

Allele frequency attached by ClinVar (database versions not stated): gnomAD 0.00001; TOPMed 0.00001; ExAC 0.00002; gnomAD exomes 0.00002 and 0.00003.
gnomAD v4.1: 45 of 1,614,056 alleles (0.0028%); highest among the groups gnomAD compares: Admixed American, 0.005%; no homozygotes.

Submissions (13):

CeGaT Center for Human Genetics Tuebingen
Classification: Likely benign. Last evaluated: 2026-09-01. Review status: criteria provided, single submitter. Criteria: CeGaT Center For Human Genetics Tuebingen Variant Classification Criteria Version 2. Collection method: clinical testing. Allele origin: germline. Affected: yes. Observed: 1 variant allele.
Comment: RAD51D: BP1, BP4

Myriad Genetics, Inc.
Classification: Likely benign for Breast-ovarian cancer, familial, susceptibility to, 4. Last evaluated: 2026-03-19. Review status: criteria provided, single submitter. Criteria: Myriad Autosomal Dominant, Autosomal Recessive and X-Linked Classification Criteria (2023). Collection method: clinical testing. Allele origin: unknown.
Comment: This variant is considered likely benign. This variant is strongly associated with less severe personal and family histories of cancer, typical for individuals without pathogenic variants in this gene [PMID: 25085752].

Women's Health and Genetics/Laboratory Corporation of America, LabCorp
Classification: Uncertain significance. Last evaluated: 2025-12-21. Review status: criteria provided, single submitter. Criteria: LabCorp Variant Classification Summary - May 2015. Collection method: clinical testing. Allele origin: germline.
Comment: Variant summary: RAD51D c.431C>T (p.Ser144Phe) results in a non-conservative amino acid change in the encoded protein sequence. Algorithms developed to predict the effect of missense changes on protein structure and function are either unavailable or do not agree on the potential impact of this missense change. The variant allele was found at a frequency of 2.4e-05 in 251472 control chromosomes. The available data on variant occurrences in the general population are insufficient to allow any conclusion about variant significance. c.431C>T has been observed in individual(s) affected with Hereditary Breast And Ovarian Cancer (example: deOliveira_2022). These report(s) do not provide unequivocal conclusions about association of the variant with Hereditary Breast And Ovarian Cancer Syndrome. To our knowledge, no experimental evidence demonstrating an impact on protein function has been reported. The following publication has been ascertained in the context of this evaluation (PMID: 35534704). ClinVar contains an entry for this variant (Variation ID: 141609). Based on the evidence outlined above, the variant was classified as uncertain significance.

Labcorp Genetics (formerly Invitae), Labcorp
Classification: Uncertain significance for Breast-ovarian cancer, familial, susceptibility to, 4. Last evaluated: 2025-12-03. Review status: criteria provided, single submitter. Criteria: Invitae Variant Classification Sherloc (09022015). Collection method: clinical testing. Allele origin: germline.
Comment: This sequence change replaces serine, which is neutral and polar, with phenylalanine, which is neutral and non-polar, at codon 144 of the RAD51D protein (p.Ser144Phe). This variant is present in population databases (rs587781875, gnomAD 0.006%). This missense change has been observed in individual(s) with breast cancer (PMID: 35534704). ClinVar contains an entry for this variant (Variation ID: 141609). Invitae Evidence Modeling of protein sequence and biophysical properties (such as structural, functional, and spatial information, amino acid conservation, physicochemical variation, residue mobility, and thermodynamic stability) indicates that this missense variant is not expected to disrupt RAD51D protein function with a negative predictive value of 80%. In summary, the available evidence is currently insufficient to determine the role of this variant in disease. Therefore, it has been classified as a Variant of Uncertain Significance.

Quest Diagnostics Nichols Institute San Juan Capistrano
Classification: Uncertain significance. Last evaluated: 2025-07-28. Review status: criteria provided, single submitter. Criteria: Quest Diagnostics criteria. Collection method: clinical testing. Allele origin: unknown.
Comment: The RAD51D c.431C>T (p.Ser144Phe) variant has been reported in the published literature in individuals with colorectal cancer (PMID: 35534704 (2022)) and breast cancer (PMID: 33471991 (2021), see also LOVD). This variant has also been identified in a reportedly unaffected individual (PMID: 33471991 (2021), see also LOVD). The frequency of this variant in the general population (Genome Aggregation Database) is uninformative in the assessment of its pathogenicity. Analysis of this variant using bioinformatics tools for the prediction of the effect of amino acid changes on protein structure and function yielded predictions that this variant is benign and damaging. Based on the available information, we are unable to determine the clinical significance of this variant.

Mendelics
Classification: Uncertain significance for Hereditary cancer. Last evaluated: 2025-06-23. Review status: criteria provided, single submitter. Criteria: ACMG Guidelines, 2015. Collection method: clinical testing. Allele origin: unknown.
Comment: The available evidence is insufficient to conclusively determine the role of this variant. Therefore, it is classified as a Variant of Uncertain Significance.

Ambry Genetics
Classification: Uncertain significance for Hereditary cancer-predisposing syndrome. Last evaluated: 2025-06-09. Review status: criteria provided, single submitter. Criteria: Ambry Variant Classification Scheme 2023. Collection method: clinical testing. Allele origin: germline.
Comment: The p.S144F variant (also known as c.431C>T), located in coding exon 5 of the RAD51D gene, results from a C to T substitution at nucleotide position 431. The serine at codon 144 is replaced by phenylalanine, an amino acid with highly dissimilar properties. This amino acid position is highly conserved in available vertebrate species. In addition, this alteration is predicted to be deleterious by in silico analysis. Since supporting evidence is limited at this time, the clinical significance of this alteration remains unclear.

Baylor Genetics
Classification: Uncertain significance for Breast-ovarian cancer, familial, susceptibility to, 4. Last evaluated: 2024-03-20. Review status: criteria provided, single submitter. Criteria: ACMG Guidelines, 2015. Collection method: clinical testing. Allele origin: unknown.

GeneDx
Classification: Uncertain significance. Last evaluated: 2024-03-13. Review status: criteria provided, single submitter. Criteria: GeneDx Variant Classification Process June 2021. Collection method: clinical testing. Allele origin: germline. Affected: yes.
Comment: In silico analysis supports that this missense variant has a deleterious effect on protein structure/function; Identified in patients with breast cancer and also in an unaffected control (PMID: 33471991); Identified in a patient with breast cancer who also harbored a pathogenic variant in BRCA2 (PMID: 35534704); This variant is associated with the following publications: (PMID: 30675060, 35534704, 33471991, 21111057, 14704354, 19327148)

Color Diagnostics, LLC DBA Color Health
Classification: Uncertain significance for Hereditary cancer-predisposing syndrome. Last evaluated: 2024-02-06. Review status: criteria provided, single submitter. Criteria: ACMG Guidelines, 2015. Collection method: clinical testing. Allele origin: germline.
Comment: This missense variant replaces serine with phenylalanine at codon 144 of the RAD51D protein. Computational prediction suggests that this variant may not impact protein structure and function. To our knowledge, functional studies have not been reported for this variant. In a large breast cancer case-control meta-analysis, this variant has been reported in 3/60463 cases and 1/53461 controls (PMID: 33471991; Leiden Open Variation Database DB-ID RAD51D_000055). This variant has been identified in 6/251472 chromosomes in the general population by the Genome Aggregation Database (gnomAD). The available evidence is insufficient to determine the role of this variant in disease conclusively. Therefore, this variant is classified as a Variant of Uncertain Significance.

Sema4
Classification: Uncertain significance for Hereditary cancer-predisposing syndrome. Last evaluated: 2021-06-03. Review status: criteria provided, single submitter. Criteria: Sema4 Curation Guidelines. Collection method: curation. Allele origin: germline.
Comment: The RAD51D c.431C>T (p.S144F) variant has been reported in heterozygosity in at least three individuals with breast cancer (PMID: 33471991). However, it was also reported in a healthy control in the same study. This variant was observed in 2/34592 chromosomes in the Latino population according to the Genome Aggregation Database (PMID: 32461654) and has been reported in ClinVar (Variation ID: 141609). In silico tools suggest the impact of the variant on protein function is inconclusive and functional studies have not been performed. Based on the current evidence available, this variant is interpreted as a variant of uncertain significance.

Centre for Mendelian Genomics, University Medical Centre Ljubljana
Classification: Uncertain significance. Last evaluated: 2019-10-23. Review status: criteria provided, single submitter. Criteria: ACMG Guidelines, 2015. Collection method: clinical testing. Allele origin: unknown. Affected: yes.
Comment: This variant was classified as: Uncertain significance. The available evidence on this variant's pathogenicity is insufficient or conflicting. The following ACMG criteria were applied in classifying this variant: PP3.

Genetic Services Laboratory, University of Chicago
Classification: Uncertain significance. Last evaluated: 2019-02-22. Review status: criteria provided, single submitter. Criteria: ACMG Guidelines, 2015. Collection method: clinical testing. Allele origin: germline. Affected: no.

Literature cited by the submitters: PubMed 25085752 (cited by Myriad Genetics, Inc.); PubMed 35534704 (cited by 3 submitters); PubMed 33471991 (cited by 3 submitters).

NM_002878.4(RAD51D):c.431C>T (p.Ser144Phe)

Genes: RAD51D (RAD51 paralog D; minus strand), RAD51L3-RFFL (RAD51L3-RFFL readthrough; minus strand). Cytogenetic location: 17q12.
Variant type: single nucleotide variant.
Coding change: c.431C>T on transcript NM_002878.4 (MANE Select); coding-DNA position 431, C replaced by T.
Protein change: p.Ser144Phe; replaces serine 144 with phenylalanine.
Molecular consequence: missense variant. On other transcripts: non-coding transcript variant (1), intron variant (1).
Genome position (GRCh38, 1-based): chr17:35,107,037, G>A on the plus strand (C>T on the coding strand, the complement: RAD51D is on the minus strand). VCF-style: chr17-35107037-G-A. GRCh37 (hg19) VCF-style: chr17-33434056-G-A.
Other names: c.491C>T, p.Ser164Phe (NM_001142571.2); c.145-556C>T (NM_133629.3); short protein forms S144F, S164F.
Identifiers: ClinVar variation 141609 (VCV000141609.38), dbSNP rs587781875, ClinGen allele CA165928.